The following is an entry in ClinVar:

NM_015338.6(ASXL1):c.2561dup (p.Thr854_Asp855insTer)

Gene: ASXL1 (ASXL transcriptional regulator 1; plus strand). Cytogenetic location: 20q11.21.
Variant type: Duplication.
Coding change: c.2561dup on transcript NM_015338.6 (MANE Select); coding-DNA position 2561, one base duplicated (C; older notation c.2561dupC).
Protein change: p.Thr854_Asp855insTer.
Molecular consequence: frameshift variant.
Genome position (GRCh38, 1-based): chr20:32,435,273, C duplicated. VCF-style (leftmost placement, unchanged base first): chr20-32435272-A-AC. GRCh37 (hg19) VCF-style: chr20-31023075-A-AC.
Other names: c.2378dup, p.Thr793_Asp794insTer (NM_001363734.1).
Identifiers: ClinVar variation 4856091 (VCV004856091.1).

ClinVar aggregate classification (germline): Likely pathogenic (1 of 4 stars; one submission).

Conditions:
Bohring-Opitz syndrome. Also called: C-LIKE SYNDROME; BOHRING SYNDROME; OPITZ TRIGONOCEPHALY-LIKE SYNDROME; ASXL1-Related Bohring-Opitz Syndrome. Identifiers: Orphanet 97297, MedGen C0796232, MONDO:0011510, OMIM 605039.

Submission:

3billion
Classification: Likely pathogenic for Bohring-Opitz syndrome. Last evaluated: 2025-09-08. Review status: criteria provided, single submitter. Criteria: ACMG Guidelines, 2015. Collection method: clinical testing. Allele origin: germline. Affected: yes.
Comment: The variant is not observed in the gnomAD v4.1.0 dataset. Predicted Consequence/Location: Stop-gained (nonsense): predicted to result in a loss or disruption of normal protein function through protein truncation. The predicted truncated protein may be shortened by more than 10%. Therefore, this variant is classified as Likely pathogenic according to the recommendation of ACMG/AMP guideline.